The following is an entry in ClinVar:

ClinVar aggregate classification (germline): Uncertain significance (1 of 4 stars; one submission).

Submission:

Labcorp Genetics (formerly Invitae), Labcorp
Classification: Uncertain significance. Last evaluated: 2025-11-21. Review status: criteria provided, single submitter. Criteria: Invitae Variant Classification Sherloc (09022015). Collection method: clinical testing. Allele origin: germline.
Comment: This sequence change replaces methionine, which is neutral and non-polar, with threonine, which is neutral and polar, at codon 6 of the CACNA1D protein (p.Met6Thr). This variant is not present in population databases (gnomAD no frequency). This variant has not been reported in the literature in individuals affected with CACNA1D-related conditions. Experimental studies and prediction algorithms are not available or were not evaluated, and the functional significance of this variant is currently unknown. In summary, the available evidence is currently insufficient to determine the role of this variant in disease. Therefore, it has been classified as a Variant of Uncertain Significance.

NM_001128840.3(CACNA1D):c.17T>C (p.Met6Thr)

Gene: CACNA1D (calcium voltage-gated channel subunit alpha1 D; plus strand). Cytogenetic location: 3p21.1.
Variant type: single nucleotide variant.
Coding change: c.17T>C on transcript NM_001128840.3 (MANE Select); coding-DNA position 17, T replaced by C.
Protein change: p.Met6Thr; replaces methionine 6 with threonine.
Molecular consequence: missense variant.
Genome position (GRCh38, 1-based): chr3:53,495,183, T>C. VCF-style: chr3-53495183-T-C. GRCh37 (hg19) VCF-style: chr3-53529210-T-C.
Other names: c.17T>C, p.Met6Thr (NM_000720.4, NM_001128839.3); short protein forms M6T.
Identifiers: ClinVar variation 4771473 (VCV004771473.1).